The following is an entry in ClinVar:

ClinVar aggregate classification (germline): Uncertain significance. Review status: criteria provided, multiple submitters, no conflicts (2 of 4 stars). 4 submissions from 4 submitters: Uncertain significance (4). Last evaluated 2025-10-01.

Conditions:
MYH6-related disorder. Also called: MYH6-Related Disorders; MYH6-related condition.
Cardiovascular phenotype. Identifiers: MedGen CN230736.
Hypertrophic cardiomyopathy 14. Identifiers: MedGen C2750467, MONDO:0013197, OMIM 613251.

Allele frequency attached by ClinVar (database versions not stated): ExAC 0.00001; gnomAD 0.00001; gnomAD exomes 0.00001; TOPMed 0.00002.
gnomAD v4.1: 11 of 1,614,106 alleles (0.00068%); highest among the groups gnomAD compares: South Asian, 0.0044%; no homozygotes.

Submissions (4):

PreventionGenetics, part of Exact Sciences
Classification: Uncertain significance for MYH6-related condition. Last evaluated: 2025-10-01. Review status: criteria provided, single submitter. Criteria: ACMG Guidelines, 2015. Collection method: clinical testing. Allele origin: germline.
Comment: The MYH6 c.3155G>A variant is predicted to result in the amino acid substitution p.Arg1052Gln. To our knowledge, this variant has not been reported in the literature. This variant is reported in 0.0033% of alleles in individuals of South Asian descent in gnomAD. At this time, the clinical significance of this variant is uncertain due to the absence of conclusive functional and genetic evidence.

Labcorp Genetics (formerly Invitae), Labcorp
Classification: Uncertain significance for Hypertrophic cardiomyopathy 14. Last evaluated: 2025-08-22. Review status: criteria provided, single submitter. Criteria: Invitae Variant Classification Sherloc (09022015). Collection method: clinical testing. Allele origin: germline.
Comment: This sequence change replaces arginine, which is basic and polar, with glutamine, which is neutral and polar, at codon 1052 of the MYH6 protein (p.Arg1052Gln). This variant is present in population databases (rs750020902, gnomAD 0.003%). This variant has not been reported in the literature in individuals affected with MYH6-related conditions. ClinVar contains an entry for this variant (Variation ID: 452447). Invitae Evidence Modeling of protein sequence and biophysical properties (such as structural, functional, and spatial information, amino acid conservation, physicochemical variation, residue mobility, and thermodynamic stability) indicates that this missense variant is not expected to disrupt MYH6 protein function with a negative predictive value of 80%. In summary, the available evidence is currently insufficient to determine the role of this variant in disease. Therefore, it has been classified as a Variant of Uncertain Significance.

Ambry Genetics
Classification: Uncertain significance for Cardiovascular phenotype. Last evaluated: 2025-04-06. Review status: criteria provided, single submitter. Criteria: Ambry Variant Classification Scheme 2023. Collection method: clinical testing. Allele origin: germline.

GeneDx
Classification: Uncertain significance. Last evaluated: 2017-10-02. Review status: criteria provided, single submitter. Criteria: GeneDx Variant Classification (06012015). Collection method: clinical testing. Allele origin: germline. Affected: yes.
Comment: A variant of uncertain significance has been identified in the MYH6 gene. The R1052Q variant has not been published as pathogenic or been reported as benign to our knowledge. This variant is also not observed at a significant frequency in large population cohorts (Lek et al., 2016). The R1052Q variant is a semi-conservative amino acid substitution, which may impact secondary protein structure as these residues differ in some properties. Additionally, this substitution occurs at a position that is conserved across species and in silico analysis predicts this variant is probably damaging to the protein structure/function. Nevertheless, this variant has not been observed in a significant number of affected individuals, and it lacks both segregation and functional studies which would further clarify its pathogenicity.

NM_002471.4(MYH6):c.3155G>A (p.Arg1052Gln)

Gene: MYH6 (myosin heavy chain 6; minus strand). Cytogenetic location: 14q11.2.
Variant type: single nucleotide variant.
Coding change: c.3155G>A on transcript NM_002471.4 (MANE Select); coding-DNA position 3155, G replaced by A.
Protein change: p.Arg1052Gln; replaces arginine 1052 with glutamine.
Molecular consequence: missense variant.
Genome position (GRCh38, 1-based): chr14:23,393,008, C>T on the plus strand (G>A on the coding strand, the complement: MYH6 is on the minus strand). VCF-style: chr14-23393008-C-T. GRCh37 (hg19) VCF-style: chr14-23862217-C-T.
Other names: short protein forms R1052Q.
Identifiers: ClinVar variation 452447 (VCV000452447.8), dbSNP rs750020902, ClinGen allele CA7115289.